The following is an entry in ClinVar:

NM_001040716.2(PC):c.1936dup (p.Ala646fs)

Gene: PC (pyruvate carboxylase; minus strand). Cytogenetic location: 11q13.2.
Variant type: Duplication.
Coding change: c.1936dup on transcript NM_001040716.2 (MANE Select); coding-DNA position 1936, one base duplicated (G; older notation c.1936dupG).
Protein change: p.Ala646fs; shifts the reading frame from alanine 646.
Molecular consequence: frameshift variant.
Genome position (GRCh38, 1-based): chr11:66,851,836, C duplicated on the plus strand (G on the coding strand, the reverse complement: PC is on the minus strand); the first of 6 consecutive C bases (chr11:66,851,836-66,851,841); duplicating any one gives the same sequence. VCF-style (leftmost placement, unchanged base first): chr11-66851835-G-GC. GRCh37 (hg19) VCF-style: chr11-66619306-G-GC.
Other names: c.1936dup, p.Ala646fs (NM_000920.4, NM_001439352.1, NM_001439353.1 and 5 more transcripts); short protein forms A646fs.
Identifiers: ClinVar variation 5003566 (VCV005003566.1).

ClinVar aggregate classification (germline): Pathogenic (1 of 4 stars; one submission).

Conditions:
Pyruvate carboxylase deficiency. Also called: PC DEFICIENCY; ATAXIA WITH LACTIC ACIDOSIS II; LEIGH NECROTIZING ENCEPHALOPATHY DUE TO PYRUVATE CARBOXYLASE DEFICIENCY; LEIGH SYNDROME DUE TO PYRUVATE CARBOXYLASE DEFICIENCY; Pyruvate Carboxylase Deficiency Disease. Identifiers: Orphanet 3008, MedGen C0034341, MONDO:0009949, OMIM 266150.

Submission:

Myriad Genetics, Inc.
Classification: Pathogenic for Pyruvate carboxylase deficiency. Last evaluated: 2026-01-08. Review status: criteria provided, single submitter. Criteria: Myriad Autosomal Dominant, Autosomal Recessive and X-Linked Classification Criteria (2023). Collection method: clinical testing. Allele origin: unknown.
Comment: NM_000920.3(PC):c.1936dupG(A646Gfs*19) is a frameshift variant classified as pathogenic in the context of pyruvate carboxylase deficiency. A646Gfs*19 has not been observed in cases with relevant disease. Relevant functional assessments of this variant are not available in the literature. A646Gfs*19 has not been observed in referenced population frequency databases. In summary, NM_000920.3(PC):c.1936dupG(A646Gfs*19) is a frameshift variant in a gene where loss of function is a known mechanism of disease and is predicted to disrupt protein function. Please note: this variant was assessed in the context of healthy population screening.